The following is an entry in ClinVar:

ClinVar aggregate classification (germline): Likely benign (1 of 4 stars; one submission).

Allele frequency attached by ClinVar (database versions not stated): 1000 Genomes Project 0.00240; 1000 Genomes Project 30x 0.00250; TOPMed 0.00532; gnomAD 0.00548; gnomAD exomes 0.00826; ExAC 0.00835.
gnomAD v4.1: 12,783 of 1,605,816 alleles (0.8%); highest among the groups gnomAD compares: Non-Finnish European, 0.95%; 65 homozygotes.

Submission:

CeGaT Center for Human Genetics Tuebingen
Classification: Likely benign. Last evaluated: 2022-11-01. Review status: criteria provided, single submitter. Criteria: CeGaT Center For Human Genetics Tuebingen Variant Classification Criteria Version 2. Collection method: clinical testing. Allele origin: germline. Affected: yes. Observed: 1 variant allele.
Comment: RGPD4: BP4, BP7, BS2

NM_182588.3(RGPD4):c.1461A>G (p.Val487=)

Gene: RGPD4 (RANBP2 like and GRIP domain containing 4; plus strand). Cytogenetic location: 2q12.3.
Variant type: single nucleotide variant.
Coding change: c.1461A>G on transcript NM_182588.3 (MANE Select); coding-DNA position 1461, A replaced by G.
Protein change: p.Val487=; no amino-acid change (valine 487 retained).
Molecular consequence: synonymous variant.
Genome position (GRCh38, 1-based): chr2:107,859,381, A>G. VCF-style: chr2-107859381-A-G. GRCh37 (hg19) VCF-style: chr2-108475837-A-G.
Identifiers: ClinVar variation 2651235 (VCV002651235.24), dbSNP rs201811980, ClinGen allele CA1817881.